The following is an entry in ClinVar:

ClinVar aggregate classification (germline): Likely benign. Review status: criteria provided, multiple submitters, no conflicts (2 of 4 stars). 2 submissions from 2 submitters: Likely benign (2). Last evaluated 2025-09-03.

Allele frequency attached by ClinVar (database versions not stated): ESP Exome Variant Server 0.00008; gnomAD exomes 0.00008 and 0.00025; ExAC 0.00010; TOPMed 0.00010; gnomAD 0.00013 and 0.00014.
gnomAD v4.1: 386 of 1,608,190 alleles (0.024%); highest among the groups gnomAD compares: Middle Eastern, 0.033%; 1 homozygote.

Submissions (2):

Labcorp Genetics (formerly Invitae), Labcorp
Classification: Likely benign. Last evaluated: 2025-09-03. Review status: criteria provided, single submitter. Criteria: Invitae Variant Classification Sherloc (09022015). Collection method: clinical testing. Allele origin: germline.

GeneDx
Classification: Likely benign. Last evaluated: 2016-01-23. Review status: criteria provided, single submitter. Criteria: GeneDx Variant Classification (06012015). Collection method: clinical testing. Allele origin: germline. Affected: yes.
Comment: This variant is considered likely benign or benign based on one or more of the following criteria: it is a conservative change, it occurs at a poorly conserved position in the protein, it is predicted to be benign by multiple in silico algorithms, and/or has population frequency not consistent with disease.

NM_006059.4(LAMC3):c.1940-10C>T

Gene: LAMC3 (laminin subunit gamma 3; plus strand). Cytogenetic location: 9q34.12.
Variant type: single nucleotide variant.
Coding change: c.1940-10C>T on transcript NM_006059.4 (MANE Select); 10 bases into the intron before coding-DNA position 1940, C replaced by T.
Molecular consequence: intron variant.
Genome position (GRCh38, 1-based): chr9:131,056,919, C>T. VCF-style: chr9-131056919-C-T. GRCh37 (hg19) VCF-style: chr9-133932306-C-T.
Identifiers: ClinVar variation 382773 (VCV000382773.8), dbSNP rs373939366, ClinGen allele CA5287286.